The following is an entry in ClinVar:

NM_000400.4(ERCC2):c.1055A>G (p.Glu352Gly)

Gene: ERCC2 (ERCC excision repair 2, TFIIH core complex helicase subunit; minus strand). Cytogenetic location: 19q13.32.
Variant type: single nucleotide variant.
Coding change: c.1055A>G on transcript NM_000400.4 (MANE Select); coding-DNA position 1055, A replaced by G.
Protein change: p.Glu352Gly; replaces glutamic acid 352 with glycine.
Molecular consequence: missense variant.
Genome position (GRCh38, 1-based): chr19:45,363,806, T>C on the plus strand (A>G on the coding strand, the complement: ERCC2 is on the minus strand). VCF-style: chr19-45363806-T-C. GRCh37 (hg19) VCF-style: chr19-45867064-T-C.
Other names: c.983A>G, p.Glu328Gly (NM_001130867.2); short protein forms E328G, E352G.
Identifiers: ClinVar variation 3509870 (VCV003509870.1).
Genomic context (GRCh38, chr19:45,363,806, plus strand): 5'-AGGGGCTTGCGCTGGATGCACACGCGCTGGGCCAGGCCGCTCAGGAAGGCGGGCGGGCTC[T>C]CCTGCACCACATGCTGCACACGCAGCCGCCACTTCACGTACTCCAGCAGCCGCCTCAGGA-3'
Protein context (NP_000391.1, residues 342-362): WRLRVQHVVQ[Glu352Gly]SPPAFLSGLA

ClinVar aggregate classification (germline): Uncertain significance (1 of 4 stars; one submission).

Conditions:
Inborn genetic diseases. Identifiers: MedGen C0950123, MeSH D030342.

Submission:

Ambry Genetics
Classification: Uncertain significance for Inborn genetic diseases. Last evaluated: 2024-09-21. Review status: criteria provided, single submitter. Criteria: Ambry Variant Classification Scheme 2023. Collection method: clinical testing. Allele origin: germline.
Comment: The p.E352G variant (also known as c.1055A>G), located in coding exon 11 of the ERCC2 gene, results from an A to G substitution at nucleotide position 1055. The glutamic acid at codon 352 is replaced by glycine, an amino acid with similar properties. This amino acid position is conserved. In addition, this alteration is predicted to be deleterious by in silico analysis. Based on the available evidence, the clinical significance of this variant remains unclear.